The following is an entry in ClinVar:

NM_005476.7(GNE):c.101C>G (p.Thr34Ser)

Gene: GNE (glucosamine (UDP-N-acetyl)-2-epimerase/N-acetylmannosamine kinase; minus strand). Cytogenetic location: 9p13.3.
Variant type: single nucleotide variant.
Coding change: c.101C>G on transcript NM_005476.7 (MANE Select); coding-DNA position 101, C replaced by G.
Protein change: p.Thr34Ser; replaces threonine 34 with serine.
Molecular consequence: missense variant. On other transcripts: intron variant (3).
Genome position (GRCh38, 1-based): chr9:36,249,255, G>C on the plus strand (C>G on the coding strand, the complement: GNE is on the minus strand). VCF-style: chr9-36249255-G-C. GRCh37 (hg19) VCF-style: chr9-36249252-G-C.
Other names: c.194C>G (NM_001128227.2); c.194C>G, p.Thr65Ser (NM_001128227.3); c.101C>G, p.Thr34Ser (NM_001190383.3, NM_001374797.1); c.-13-2773C>G (NM_001190388.2, NM_001190384.3, NM_001374798.1); short protein forms T34S, T65S.
Identifiers: ClinVar variation 2097900 (VCV002097900.5), dbSNP rs1830020596, ClinGen allele CA373421790.

ClinVar aggregate classification (germline): Uncertain significance. Review status: criteria provided, single submitter (1 of 4 stars). 2 submissions from 2 submitters: Uncertain significance (1). 1 of the submissions does not count toward it. Last evaluated 2025-11-17.

Conditions:
GNE myopathy (NM). Also called: MYOPATHY, DISTAL, WITH OR WITHOUT RIMMED VACUOLES; INCLUSION BODY MYOPATHY, HEREDITARY, AUTOSOMAL RECESSIVE; INCLUSION BODY MYOPATHY 2, AUTOSOMAL RECESSIVE; IBM 2; Inclusion body myopathy autosomal recessive; Inclusion body myopathy quadriceps sparing. Identifiers: Orphanet 602, MedGen C1853926, MONDO:0011603, OMIM 605820.
Sialuria. Also called: Sialic Acid Storage Disease; SIALURIA, FRENCH TYPE. Identifiers: Orphanet 3166, MedGen C0342853, MONDO:0010028, OMIM 269921.

Submissions (2):

Labcorp Genetics (formerly Invitae), Labcorp
Classification: Uncertain significance for Sialuria; GNE myopathy. Last evaluated: 2025-11-17. Review status: criteria provided, single submitter. Criteria: Invitae Variant Classification Sherloc (09022015). Collection method: clinical testing. Allele origin: germline.
Comment: This sequence change replaces threonine, which is neutral and polar, with serine, which is neutral and polar, at codon 65 of the GNE protein (p.Thr65Ser). This variant is not present in population databases (gnomAD no frequency). This variant has not been reported in the literature in individuals affected with GNE-related conditions. ClinVar contains an entry for this variant (Variation ID: 2097900). Invitae Evidence Modeling of protein sequence and biophysical properties (such as structural, functional, and spatial information, amino acid conservation, physicochemical variation, residue mobility, and thermodynamic stability) has been performed for this missense variant. However, the output from this modeling did not meet the statistical confidence thresholds required to predict the impact of this variant on GNE protein function. In summary, the available evidence is currently insufficient to determine the role of this variant in disease. Therefore, it has been classified as a Variant of Uncertain Significance.

Natera, Inc.
Classification: Uncertain significance for Nonaka myopathy. Last evaluated: 2025-03-10. Review status: no assertion criteria provided. Collection method: clinical testing. Allele origin: germline. Not counted in ClinVar's aggregate classification.